The following is an entry in ClinVar:

ClinVar aggregate classification (germline): Uncertain significance (1 of 4 stars; one submission).

Conditions:
Hereditary cancer-predisposing syndrome. Also called: Tumor predisposition; Neoplastic Syndromes, Hereditary; Hereditary Cancer Syndrome; Hereditary neoplastic syndrome. Identifiers: Orphanet 140162, MedGen C0027672, MeSH D009386, MONDO:0015356.

Allele frequency attached by ClinVar (database versions not stated): TOPMed below 0.00001.

Submission:

Ambry Genetics
Classification: Uncertain significance for Hereditary cancer-predisposing syndrome. Last evaluated: 2023-04-26. Review status: criteria provided, single submitter. Criteria: Ambry Variant Classification Scheme 2023. Collection method: clinical testing. Allele origin: germline.
Comment: The p.G136C variant (also known as c.406G>T), located in coding exon 2 of the CDKN2A gene, results from a G to T substitution at nucleotide position 406. The glycine at codon 136 is replaced by cysteine, an amino acid with highly dissimilar properties. This amino acid position is not well conserved in available vertebrate species. In addition, the in silico prediction for this alteration is inconclusive. Since supporting evidence is limited at this time, the clinical significance of this alteration remains unclear.

NM_000077.5(CDKN2A):c.406G>T (p.Gly136Cys)

Gene: CDKN2A (cyclin dependent kinase inhibitor 2A; minus strand). Cytogenetic location: 9p21.3.
Variant type: single nucleotide variant.
Coding change: c.406G>T on transcript NM_000077.5; coding-DNA position 406, G replaced by T.
Protein change: p.Gly136Cys; replaces glycine 136 with cysteine.
Molecular consequence: missense variant (on NM_000077.6). On other transcripts: 3 prime UTR variant (2).
Genome position (GRCh38, 1-based): chr9:21,970,953, C>A on the plus strand (G>T on the coding strand, the complement: CDKN2A is on the minus strand). VCF-style: chr9-21970953-C-A. GRCh37 (hg19) VCF-style: chr9-21970952-C-A.
Other names: c.406G>T, p.Gly136Cys (NM_000077.6, NM_001195132.2); c.253G>T, p.Gly85Cys (NM_001363763.2); c.*50G>T (NM_058195.4); c.*329G>T (NM_058197.5); short protein forms G136C, G85C.
Identifiers: ClinVar variation 2563912 (VCV002563912.2), dbSNP rs777840257, ClinGen allele CA373085901.